The following is an entry in ClinVar:

ClinVar aggregate classification (germline): Uncertain significance (1 of 4 stars; one submission).

Allele frequency attached by ClinVar (database versions not stated): TOPMed below 0.00001.

Submission:

Labcorp Genetics (formerly Invitae), Labcorp
Classification: Uncertain significance. Last evaluated: 2025-01-08. Review status: criteria provided, single submitter. Criteria: Invitae Variant Classification Sherloc (09022015). Collection method: clinical testing. Allele origin: germline.
Comment: This sequence change replaces tyrosine, which is neutral and polar, with histidine, which is basic and polar, at codon 179 of the ABCA4 protein (p.Tyr179His). This variant is not present in population databases (gnomAD no frequency). This missense change has been observed in individual(s) with clinical features of ABCA4-related conditions (internal data). ClinVar contains an entry for this variant (Variation ID: 843909). Invitae Evidence Modeling of protein sequence and biophysical properties (such as structural, functional, and spatial information, amino acid conservation, physicochemical variation, residue mobility, and thermodynamic stability) indicates that this missense variant is not expected to disrupt ABCA4 protein function with a negative predictive value of 95%. In summary, the available evidence is currently insufficient to determine the role of this variant in disease. Therefore, it has been classified as a Variant of Uncertain Significance.

NM_000350.3(ABCA4):c.535T>C (p.Tyr179His)

Gene: ABCA4 (ATP binding cassette subfamily A member 4; minus strand). Cytogenetic location: 1p22.1.
Variant type: single nucleotide variant.
Coding change: c.535T>C on transcript NM_000350.3 (MANE Select); coding-DNA position 535, T replaced by C.
Protein change: p.Tyr179His; replaces tyrosine 179 with histidine.
Molecular consequence: missense variant.
Genome position (GRCh38, 1-based): chr1:94,103,050, A>G on the plus strand (T>C on the coding strand, the complement: ABCA4 is on the minus strand). VCF-style: chr1-94103050-A-G. GRCh37 (hg19) VCF-style: chr1-94568606-A-G.
Other names: c.535T>C, p.Tyr179His (NM_001425324.1); short protein forms Y179H.
Identifiers: ClinVar variation 843909 (VCV000843909.11), dbSNP rs1662327014, ClinGen allele CA341290798.
Genomic context (GRCh38, chr1:94,103,050, plus strand): 5'-CCACTGGCCAGTGACATCCCCCTACCTGCTCTGGACGGACTTGAGAGTTGATCAGAAGGT[A>G]GACCACTGAGTCAGACAGGCCGATGTTTTTAATGAGAAATAGTGTCAGTGTTTCTTCATC-3'
Protein context (NP_000341.2, residues 169-189): KNIGLSDSVV[Tyr179His]LLINSQVRPE